The following is an entry in ClinVar:

ClinVar aggregate classification (germline): Uncertain significance (1 of 4 stars; one submission).

Conditions:
Neurodevelopmental disorder with cataracts, poor growth, and dysmorphic facies. Identifiers: MedGen C5231414, MONDO:0032817, OMIM 618571.

gnomAD v4.1: 13 of 1,605,894 alleles (0.00081%); highest among the groups gnomAD compares: South Asian, 0.0088%; no homozygotes.

Submissions (2):

3billion
Classification: Uncertain significance for Neurodevelopmental disorder with cataracts, poor growth, and dysmorphic facies. Last evaluated: 2025-08-07. Review status: criteria provided, single submitter. Criteria: ACMG Guidelines, 2015. Collection method: clinical testing. Allele origin: germline. Affected: yes.
Comment: The variant is observed at an extremely low frequency in the gnomAD v4.1.0 dataset (total allele frequency: <0.001%). Predicted Consequence/Location: Missense variant. The majority of the known disease-causing variants of this gene are variants expected to result in premature termination of the protein. In silico tool predictions suggest damaging effect of the variant on gene or gene product [REVEL: 0.64 (>=0.6, sensitivity 0.68 and specificity 0.92)]. In silico tools predict the variant to alter splicing and produce an abnormal transcript [SpliceAI: 0.55 (>=0.2, moderate evidence for spliceogenicity)]. Therefore, this variant is classified as VUS according to the recommendation of ACMG/AMP guideline.

Dr. Peter K. Rogan Lab, Western University
No classification provided (evidence only). Condition: Uterine corpus endometrial carcinoma. Review status: no classification provided. Collection method: in vitro. Allele origin: not applicable. Functional consequence: skipped exon, retained intron. Not counted in ClinVar's aggregate classification.

NM_001080453.3(INTS1):c.3703G>A (p.Ala1235Thr)

Gene: INTS1 (integrator complex subunit 1; minus strand). Cytogenetic location: 7p22.3.
Variant type: single nucleotide variant.
Coding change: c.3703G>A on transcript NM_001080453.3 (MANE Select); coding-DNA position 3703, G replaced by A.
Protein change: p.Ala1235Thr; replaces alanine 1235 with threonine.
Molecular consequence: missense variant.
Genome position (GRCh38, 1-based): chr7:1,482,546, C>T on the plus strand (G>A on the coding strand, the complement: INTS1 is on the minus strand). VCF-style: chr7-1482546-C-T. GRCh37 (hg19) VCF-style: chr7-1522182-C-T.
Other names: NC_000007.13:g.1522182C>T; short protein forms A1235T.
Identifiers: ClinVar variation 4335373 (VCV004335373.2).